The following is an entry in ClinVar:

NM_032043.3(BRIP1):c.3741_3744delinsAGGG (p.Phe1248Gly)

Gene: BRIP1 (BRCA1 interacting DNA helicase 1; minus strand). Cytogenetic location: 17q23.2.
Variant type: Indel.
Coding change: c.3741_3744delinsAGGG on transcript NM_032043.3 (MANE Select); coding-DNA positions 3741 to 3744, TTTT replaced by AGGG.
Protein change: p.Phe1248Gly; replaces phenylalanine 1248 with glycine.
Molecular consequence: missense variant.
Genome position (GRCh38, 1-based): chr17:61,683,302-61,683,305, AAAA replaced by CCCT on the plus strand (TTTT replaced by AGGG on the coding strand, the reverse complement: BRIP1 is on the minus strand). VCF-style: chr17-61683302-AAAA-CCCT. GRCh37 (hg19) VCF-style: chr17-59760663-AAAA-CCCT.
Other names: short protein forms F1248G.
Identifiers: ClinVar variation 4630958 (VCV004630958.1).
Genomic context (GRCh38, chr17:61,683,302, plus strand): 5'-AGTTTAACATAAGCATGATGACATATTTTTACTTAGCTTGAGAGTTAAGTATTATTACTT[AAAA>CCCT]CCAGGAAACATGCCTTTATTTTTGGAAGGAGATGGTTTAAAGTTCTTTATTTCTATTTCA-3'
Protein context (NP_114432.2, residues 1238-1249): PSKNKGMFPG[Phe1248Gly]K

ClinVar aggregate classification (germline): Uncertain significance (1 of 4 stars; one submission).

Conditions:
Hereditary cancer-predisposing syndrome. Also called: Neoplastic Syndromes, Hereditary; Tumor predisposition; Hereditary Cancer Syndrome; Hereditary neoplastic syndrome. Identifiers: Orphanet 140162, MedGen C0027672, MeSH D009386, MONDO:0015356.

Submission:

Ambry Genetics
Classification: Uncertain significance for Hereditary cancer-predisposing syndrome. Last evaluated: 2025-10-30. Review status: criteria provided, single submitter. Criteria: Ambry Variant Classification Scheme 2023. Collection method: clinical testing. Allele origin: germline.
Comment: The c.3741_3744delTTTTinsAGGG variant, located in coding exon 19 of the BRIP1 gene, results from an in-frame deletion of TTTT and insertion of AGGG at nucleotide positions 3741 to 3744. This results in the substitution of the phenylalanine residue for a glycine residue at codon 1248, an amino acid with highly dissimilar properties. This amino acid position is poorly conserved in available vertebrate species. In addition, this variant is predicted to be neutral by in silico analysis (Choi Y et al. PLoS ONE. 2012; 7(10):e46688). Based on the available evidence, the clinical significance of this variant remains unclear.